The following is an entry in ClinVar:

ClinVar aggregate classification (germline): Benign (1 of 4 stars; one submission).

Allele frequency attached by ClinVar (database versions not stated): 1000 Genomes Project 0.44209; 1000 Genomes Project 30x 0.44597; TOPMed 0.53130; gnomAD 0.55382 and 0.55596.
gnomAD v4.1: 83,699 of 150,888 alleles (55%); highest among the groups gnomAD compares: Middle Eastern, 74%; 24,636 homozygotes.

Submission:

GeneDx
Classification: Benign. Last evaluated: 2018-06-14. Review status: criteria provided, single submitter. Criteria: GeneDx Variant Classification (06012015). Collection method: clinical testing. Allele origin: germline. Affected: yes.
Comment: This variant is considered likely benign or benign based on one or more of the following criteria: it is a conservative change, it occurs at a poorly conserved position in the protein, it is predicted to be benign by multiple in silico algorithms, and/or has population frequency not consistent with disease.

NM_007208.4(MRPL3):c.370-197C>T

Gene: MRPL3 (mitochondrial ribosomal protein L3; minus strand). Cytogenetic location: 3q22.1.
Variant type: single nucleotide variant.
Coding change: c.370-197C>T on transcript NM_007208.4 (MANE Select); 197 bases into the intron before coding-DNA position 370, C replaced by T.
Molecular consequence: intron variant.
Genome position (GRCh38, 1-based): chr3:131,498,474, G>A on the plus strand (C>T on the coding strand, the complement: MRPL3 is on the minus strand). VCF-style: chr3-131498474-G-A. GRCh37 (hg19) VCF-style: chr3-131217318-G-A.
Identifiers: ClinVar variation 678513 (VCV000678513.1), dbSNP rs4854897, ClinGen allele CA11557968.